The following is an entry in ClinVar:

ClinVar aggregate classification (germline): Uncertain significance. Review status: criteria provided, multiple submitters, no conflicts (2 of 4 stars). 2 submissions from 2 submitters: Uncertain significance (2). Last evaluated 2023-12-11.

Conditions:
Developmental and epileptic encephalopathy, 2 (DEE2). Also called: CDKL5 deficiency disorder; INFANTILE SPASM SYNDROME, X-LINKED 2. Identifiers: Orphanet 1934, Orphanet 3451, Orphanet 505652, MedGen C4750718, MONDO:0010396, OMIM 300672.
Angelman syndrome-like. Identifiers: MedGen CN128785.

Allele frequency attached by ClinVar (database versions not stated): gnomAD exomes below 0.00001 and 0.00001; gnomAD 0.00002.
gnomAD v4.1: 4 of 1,209,363 alleles (0.00033%); highest among the groups gnomAD compares: South Asian, 0.0035%; no homozygotes.

Submissions (2):

Labcorp Genetics (formerly Invitae), Labcorp
Classification: Uncertain significance for Developmental and epileptic encephalopathy, 2; Angelman syndrome-like. Last evaluated: 2023-12-11. Review status: criteria provided, single submitter. Criteria: Invitae Variant Classification Sherloc (09022015). Collection method: clinical testing. Allele origin: germline.
Comment: This sequence change replaces serine, which is neutral and polar, with asparagine, which is neutral and polar, at codon 365 of the CDKL5 protein (p.Ser365Asn). This variant is present in population databases (no rsID available, gnomAD 0.002%). This variant has not been reported in the literature in individuals affected with CDKL5-related conditions. ClinVar contains an entry for this variant (Variation ID: 1503908). Advanced modeling of protein sequence and biophysical properties (such as structural, functional, and spatial information, amino acid conservation, physicochemical variation, residue mobility, and thermodynamic stability) performed at Invitae indicates that this missense variant is not expected to disrupt CDKL5 protein function with a negative predictive value of 95%. In summary, the available evidence is currently insufficient to determine the role of this variant in disease. Therefore, it has been classified as a Variant of Uncertain Significance.

CeGaT Center for Human Genetics Tuebingen
Classification: Uncertain significance. Last evaluated: 2023-11-01. Review status: criteria provided, single submitter. Criteria: CeGaT Center For Human Genetics Tuebingen Variant Classification Criteria Version 2. Collection method: clinical testing. Allele origin: germline. Affected: yes. Observed: 1 variant allele.
Comment: CDKL5: PM2

NM_001323289.2(CDKL5):c.1094G>A (p.Ser365Asn)

Gene: CDKL5 (cyclin dependent kinase like 5; plus strand). Cytogenetic location: Xp22.13.
Variant type: single nucleotide variant.
Coding change: c.1094G>A on transcript NM_001323289.2 (MANE Select); coding-DNA position 1094, G replaced by A.
Protein change: p.Ser365Asn; replaces serine 365 with asparagine.
Molecular consequence: missense variant.
Genome position (GRCh38, 1-based): chrX:18,604,018, G>A. VCF-style: chrX-18604018-G-A. GRCh37 (hg19) VCF-style: chrX-18622138-G-A.
Other names: c.1094G>A, p.Ser365Asn (NM_001037343.2, NM_003159.3); short protein forms S365N.
Identifiers: ClinVar variation 1503908 (VCV001503908.31), dbSNP rs1279388510, ClinGen allele CA412359413.